The following is an entry in ClinVar:

ClinVar aggregate classification (germline): Uncertain significance. Review status: criteria provided, multiple submitters, no conflicts (2 of 4 stars). 9 submissions from 9 submitters: Uncertain significance (9). Last evaluated 2025-09-10.

Conditions:
SPTB-related disorder. Also called: SPTB-Related Disorders; SPTB-related condition.
Elliptocytosis 3 (EL3). Identifiers: MedGen C1866810, MONDO:0054780, OMIM 617948.
Hereditary spherocytosis type 2. Also called: SPHEROCYTOSIS, TYPE 2, AUTOSOMAL DOMINANT. Identifiers: Orphanet 822, MedGen C2674219, MONDO:0000913, OMIM 616649.

Allele frequency attached by ClinVar (database versions not stated): ExAC 0.00018; gnomAD exomes 0.00025 and 0.00056; gnomAD 0.00026; TOPMed 0.00038; ESP Exome Variant Server 0.00085.
gnomAD v4.1: 869 of 1,613,966 alleles (0.054%); highest among the groups gnomAD compares: Non-Finnish European, 0.069%; no homozygotes.

Submissions (9):

Genomic Medicine Center of Excellence, King Faisal Specialist Hospital and Research Centre
Classification: Uncertain significance for Hereditary spherocytosis type 2. Last evaluated: 2025-09-10. Review status: criteria provided, single submitter. Criteria: ACMG Guidelines, 2015. Collection method: clinical testing. Allele origin: germline.

PreventionGenetics, part of Exact Sciences
Classification: Uncertain significance for SPTB-related condition. Last evaluated: 2025-03-03. Review status: criteria provided, single submitter. Criteria: ACMG Guidelines, 2015. Collection method: clinical testing. Allele origin: germline.
Comment: The SPTB c.871G>A variant is predicted to result in the amino acid substitution p.Gly291Ser. This variant was reported in an individual with hereditary elliptocytosis and stomatocytosis type 1 (Andolfo et al. 2021. PubMed ID: 34201899). This variant is reported in 0.046% of alleles in individuals of European (Non-Finnish) descent in gnomAD, which is higher than other known pathogenic variants in this gene. Although we suspect that this variant may be benign, at this time, the clinical significance of this variant is uncertain due to the absence of conclusive functional and genetic evidence.

CeGaT Center for Human Genetics Tuebingen
Classification: Uncertain significance. Last evaluated: 2025-01-01. Review status: criteria provided, single submitter. Criteria: CeGaT Center For Human Genetics Tuebingen Variant Classification Criteria Version 2. Collection method: clinical testing. Allele origin: germline. Affected: yes. Observed: 1 variant allele.
Comment: SPTB: PM2, PP3

Revvity Omics, Revvity
Classification: Uncertain significance. Last evaluated: 2024-12-23. Review status: criteria provided, single submitter. Criteria: ACMG Guidelines, 2015. Collection method: clinical testing. Allele origin: germline.

Labcorp Genetics (formerly Invitae), Labcorp
Classification: Uncertain significance. Last evaluated: 2024-05-31. Review status: criteria provided, single submitter. Criteria: Invitae Variant Classification Sherloc (09022015). Collection method: clinical testing. Allele origin: germline.
Comment: This sequence change replaces glycine, which is neutral and non-polar, with serine, which is neutral and polar, at codon 291 of the SPTB protein (p.Gly291Ser). This variant is present in population databases (rs143599352, gnomAD 0.04%). This missense change has been observed in individual(s) with spherocytosis (PMID: 34201899). ClinVar contains an entry for this variant (Variation ID: 994306). An algorithm developed to predict the effect of missense changes on protein structure and function (PolyPhen-2) suggests that this variant is likely to be disruptive. In summary, the available evidence is currently insufficient to determine the role of this variant in disease. Therefore, it has been classified as a Variant of Uncertain Significance.

Mayo Clinic Laboratories, Mayo Clinic
Classification: Uncertain significance. Last evaluated: 2022-12-28. Review status: criteria provided, single submitter. Criteria: ACMG Guidelines, 2015. Collection method: clinical testing. Allele origin: germline. Observed: 1 variant allele.

GeneDx
Classification: Uncertain significance. Last evaluated: 2022-03-18. Review status: criteria provided, single submitter. Criteria: GeneDx Variant Classification Process June 2021. Collection method: clinical testing. Allele origin: germline. Affected: yes.
Comment: Reported heterozygous in a patient in published literature with a clinical suspicion of a hereditary red blood cell defect, but detailed clinical and segregation information were not provided (Andolfo et al., 2021); In silico analysis supports that this missense variant has a deleterious effect on protein structure/function; This variant is associated with the following publications: (PMID: 34201899)

ARUP Laboratories, Molecular Genetics and Genomics, ARUP Laboratories
Classification: Uncertain significance. Last evaluated: 2020-04-13. Review status: criteria provided, single submitter. Criteria: ARUP Molecular Germline Variant Investigation Process. Collection method: clinical testing. Allele origin: germline.

Baylor Genetics
Classification: Uncertain significance for Elliptocytosis 3. Last evaluated: 2018-08-22. Review status: criteria provided, single submitter. Criteria: ACMG Guidelines, 2015. Collection method: clinical testing. Allele origin: maternal. Affected: yes.
Comment: This variant was determined to be of uncertain significance according to ACMG Guidelines, 2015 [PMID:25741868].

Literature cited by the submitters: PubMed 34201899 (cited by Labcorp Genetics (formerly Invitae), Labcorp).

NM_001355436.2(SPTB):c.871G>A (p.Gly291Ser)

Gene: SPTB (spectrin beta, erythrocytic; minus strand). Cytogenetic location: 14q23.3.
Variant type: single nucleotide variant.
Coding change: c.871G>A on transcript NM_001355436.2 (MANE Select); coding-DNA position 871, G replaced by A.
Protein change: p.Gly291Ser; replaces glycine 291 with serine.
Molecular consequence: missense variant.
Genome position (GRCh38, 1-based): chr14:64,800,761, C>T on the plus strand (G>A on the coding strand, the complement: SPTB is on the minus strand). VCF-style: chr14-64800761-C-T. GRCh37 (hg19) VCF-style: chr14-65267479-C-T.
Other names: NM_000347.5:c.871G>A; p.Gly291Ser; c.871G>A, p.Gly291Ser (NM_001024858.4, NM_001355437.2); c.871G>A (NM_001355436.1, NM_001024858.2); short protein forms G291S.
Identifiers: ClinVar variation 994306 (VCV000994306.30), dbSNP rs143599352, ClinGen allele CA7231311.
Genomic context (GRCh38, chr14:64,800,761, plus strand): 5'-TCTGGACCTGACAAACAGGGGAAGAGTGACACTTTGGTTCCAAAACAGCTTGTACCTTGC[C>T]GACACGCTTGCCCTCCACTGCCAGCACCTTCATCTTGGAGAAGTAGTGGTAAAAGGCCAC-3'
Protein context (NP_001342365.1, residues 281-301): KVLAVEGKRV[Gly291Ser]KVIDHAIETE